The following is an entry in ClinVar:

NM_000543.5(SMPD1):c.604C>T (p.Arg202Cys)

Gene: SMPD1 (sphingomyelin phosphodiesterase 1; plus strand). Cytogenetic location: 11p15.4.
Variant type: single nucleotide variant.
Coding change: c.604C>T on transcript NM_000543.5 (MANE Select); coding-DNA position 604, C replaced by T.
Protein change: p.Arg202Cys; replaces arginine 202 with cysteine.
Molecular consequence: missense variant. On other transcripts: 5 prime UTR variant (1), non-coding transcript variant (1).
Genome position (GRCh38, 1-based): chr11:6,391,669, C>T. VCF-style: chr11-6391669-C-T. GRCh37 (hg19) VCF-style: chr11-6412899-C-T.
Other names: c.601C>T, p.Arg201Cys (NM_001007593.3); c.604C>T, p.Arg202Cys (NM_001318087.2, NM_001365135.2); c.-358C>T (NM_001318088.2); short protein forms R202C, R201C.
Identifiers: ClinVar variation 496912 (VCV000496912.36), dbSNP rs749595299, ClinGen allele CA5852644.

ClinVar aggregate classification (germline): Uncertain significance. Review status: criteria provided, multiple submitters, no conflicts (2 of 4 stars). 3 submissions from 3 submitters: Uncertain significance (3). Last evaluated 2022-12-25.

Conditions:
Niemann-Pick disease, type A. Also called: Infantile Neurovisceral ASMD (Niemann-Pick Disease Type A; NPD-A); SPHINGOMYELIN LIPIDOSIS; SPHINGOMYELINASE DEFICIENCY. Identifiers: Orphanet 77292, MedGen C0268242, MONDO:0009756, OMIM 257200. Disease mechanism: loss of function.
Niemann-Pick disease, type B. Also called: Chronic Visceral ASMD (Niemann-Pick Disease Type B; NPD-B). Identifiers: Orphanet 77293, MedGen C0268243, MONDO:0011871, OMIM 607616. Disease mechanism: loss of function.
Sphingomyelin/cholesterol lipidosis. Also called: Niemann-Pick disease. Identifiers: MedGen C0028064, MONDO:0001982.

Allele frequency attached by ClinVar (database versions not stated): gnomAD exomes below 0.00001 and 0.00001; TOPMed below 0.00001; gnomAD 0.00001; ExAC 0.00003.

Submissions (3):

Labcorp Genetics (formerly Invitae), Labcorp
Classification: Uncertain significance for Niemann-Pick disease, type B; Niemann-Pick disease, type A. Last evaluated: 2022-12-25. Review status: criteria provided, single submitter. Criteria: Invitae Variant Classification Sherloc (09022015). Collection method: clinical testing. Allele origin: germline.
Comment: In summary, the available evidence is currently insufficient to determine the role of this variant in disease. Therefore, it has been classified as a Variant of Uncertain Significance. This variant disrupts the p.Arg202 amino acid residue in SMPD1. Other variant(s) that disrupt this residue have been observed in individuals with SMPD1-related conditions (PMID: 34273913), which suggests that this may be a clinically significant amino acid residue. Advanced modeling of protein sequence and biophysical properties (such as structural, functional, and spatial information, amino acid conservation, physicochemical variation, residue mobility, and thermodynamic stability) performed at Invitae indicates that this missense variant is expected to disrupt SMPD1 protein function. ClinVar contains an entry for this variant (Variation ID: 496912). This missense change has been observed in individual(s) with Niemann-Pick disease and/or Niemann-Pick disease, type B (PMID: 12369017; Invitae). This variant is present in population databases (rs749595299, gnomAD 0.003%). This sequence change replaces arginine, which is basic and polar, with cysteine, which is neutral and slightly polar, at codon 202 of the SMPD1 protein (p.Arg202Cys).

Broad Center for Mendelian Genomics, Broad Institute of MIT and Harvard
Classification: Uncertain significance for Sphingomyelin/cholesterol lipidosis. Last evaluated: 2020-01-22. Review status: criteria provided, single submitter. Criteria: ACMG Guidelines, 2015. Collection method: curation. Allele origin: germline. Inheritance: Autosomal recessive inheritance.
Comment: The p.Arg202Cys variant in SMPD1 (also known as p.Arg200Cys due to a difference in cDNA numbering) has been reported in at least 1 individual with Niemann-Pick disease (PMID: 12369017), and has been identified in 0.003% (1/29904) of South Asian chromosomes and 0.002% (2/102350) of European (non-Finnish) chromosomes by the Genome Aggregation Database (gnomAD; dbSNP rs749595299). Although this variant has been seen in the general population, its frequency is low enough to be consistent with a recessive carrier frequency. This variant has also been reported in ClinVar (VariationID: 496912) as a VUS by EGL Genetic Diagnostics. Computational prediction tools and conservation analyses suggest that this variant may impact the protein, though this information is not predictive enough to determine pathogenicity. In summary, the clinical significance of the p.Arg202Cys variant is uncertain. ACMG/AMP Criteria applied: PM2, PP3 (Richards 2015).

Eurofins Ntd Llc (ga)
Classification: Uncertain significance. Last evaluated: 2017-03-24. Review status: criteria provided, single submitter. Criteria: EGL Classification Definitions 2015. Collection method: clinical testing. Allele origin: germline. Observed: 1 variant allele, 1 heterozygote.

Literature cited by the submitters: PubMed 34273913 (cited by Labcorp Genetics (formerly Invitae), Labcorp); PubMed 12369017 (cited by Labcorp Genetics (formerly Invitae), Labcorp).